The following is an entry in ClinVar:

ClinVar aggregate classification (germline): Uncertain significance (1 of 4 stars; one submission).

Conditions:
OTUD7A-related disorder. Also called: OTUD7A-related condition.

Submission:

Laboratorio de Biologia Molecular/Medicina Genomica - IFF/Fiocruz, Instituto Fernandes Figueira, Fundacao Oswaldo Cruz
Classification: Uncertain significance for OTUD7A-related conditions. Last evaluated: 2025-09-02. Review status: criteria provided, single submitter. Criteria: ACMG Guidelines, 2015. Collection method: clinical testing. Allele origin: germline. Affected: yes. Observed: 1 variant allele.
Comment: Variant: c.2044_2084del (p.Asp682ArgfsTer189) in exon 13 of the OTUD7A gene. Protein effect: Frameshift variant not predicted to undergo NMD, but truncated/altered region is critical to protein function. Population database (gnomAD): Extremely rare. ACMG/AMP criteria applied: PVS1_Strong, PM2_Supporting.

NM_001382637.1(OTUD7A):c.2044_2084del (p.Asp682fs)

Gene: OTUD7A (OTU deubiquitinase 7A; minus strand). Cytogenetic location: 15q13.3.
Variant type: Deletion.
Coding change: c.2044_2084del on transcript NM_001382637.1 (MANE Select); coding-DNA positions 2044 to 2084, 41 bases deleted.
Protein change: p.Asp682fs; shifts the reading frame from aspartic acid 682.
Molecular consequence: frameshift variant.
Genome position (GRCh38, 1-based): chr15:31,484,012-31,484,052, 41 bases deleted; deleting any 41 consecutive bases within chr15:31,484,012-31,484,058 gives the same sequence; the c. name uses the placement nearest the transcript's 3' end. GRCh37 (hg19): chr15:31,776,221-31,776,261.
Other names: c.2023_2063del, p.Asp675fs (NM_130901.3); short protein forms D675fs, D682fs.
Identifiers: ClinVar variation 4795205 (VCV004795205.1).